The following is an entry in ClinVar:

NM_000447.3(PSEN2):c.690C>G (p.Ala230=)

Gene: PSEN2 (presenilin 2; plus strand). Cytogenetic location: 1q42.13.
Variant type: single nucleotide variant.
Coding change: c.690C>G on transcript NM_000447.3 (MANE Select); coding-DNA position 690, C replaced by G.
Protein change: p.Ala230=; no amino-acid change (alanine 230 retained).
Molecular consequence: synonymous variant.
Genome position (GRCh38, 1-based): chr1:226,888,952, C>G. VCF-style: chr1-226888952-C-G. GRCh37 (hg19) VCF-style: chr1-227076653-C-G.
Other names: p.Ala230=; c.690C>G, p.Ala230= (NM_012486.3).
Identifiers: ClinVar variation 295991 (VCV000295991.63), dbSNP rs145010538, ClinGen allele CA1424610.

ClinVar aggregate classification (germline): Conflicting classifications of pathogenicity. Review status: criteria provided, conflicting classifications (1 of 4 stars). 8 submissions from 7 submitters: Uncertain significance (2); Likely benign (4). 2 of the submissions do not count toward it. Last evaluated 2025-12-03.

Conditions:
Alzheimer disease 4 (AD4). Identifiers: Orphanet 1020, MedGen C1847200, MONDO:0011743, OMIM 606889.
Dilated cardiomyopathy 1V (CMD1V). Identifiers: Orphanet 154, MedGen C3150958, MONDO:0013373, OMIM 613697.

Allele frequency attached by ClinVar (database versions not stated): 1000 Genomes Project 30x 0.00016; 1000 Genomes Project 0.00020; ExAC 0.00021; gnomAD exomes 0.00021 and 0.00041; gnomAD 0.00032 and 0.00033; TOPMed 0.00037; ESP Exome Variant Server 0.00046.
gnomAD v4.1: 646 of 1,614,174 alleles (0.04%); highest among the groups gnomAD compares: Non-Finnish European, 0.051%; 1 homozygote.

Submissions (8):

Labcorp Genetics (formerly Invitae), Labcorp
Classification: Likely benign for Alzheimer disease 4. Last evaluated: 2025-12-03. Review status: criteria provided, single submitter. Criteria: Invitae Variant Classification Sherloc (09022015). Collection method: clinical testing. Allele origin: germline.

Mayo Clinic Laboratories, Mayo Clinic
Classification: Likely benign. Last evaluated: 2025-06-09. Review status: criteria provided, single submitter. Criteria: ACMG Guidelines, 2015. Collection method: clinical testing. Allele origin: germline. Observed: 1 variant allele.
Comment: BS2, BP4, BP7

Blueprint Genetics
Classification: Likely benign. Last evaluated: 2024-11-15. Review status: criteria provided, single submitter. Criteria: ACMG Guidelines, 2015. Collection method: clinical testing. Allele origin: germline.

CeGaT Center for Human Genetics Tuebingen
Classification: Likely benign. Last evaluated: 2022-06-01. Review status: criteria provided, single submitter. Criteria: CeGaT Center For Human Genetics Tuebingen Variant Classification Criteria Version 2. Collection method: clinical testing. Allele origin: germline. Affected: yes. Observed: 2 variant alleles.
Comment: PSEN2: BP4, BP7

Illumina Laboratory Services, Illumina
Classification: Uncertain significance for Dilated cardiomyopathy 1V. Last evaluated: 2018-01-13. Review status: criteria provided, single submitter. Criteria: ICSL Variant Classification Criteria 13 December 2019. Collection method: clinical testing. Allele origin: germline.

Illumina Laboratory Services, Illumina
Classification: Uncertain significance for Alzheimer disease 4. Last evaluated: 2018-01-13. Review status: criteria provided, single submitter. Criteria: ICSL Variant Classification Criteria 13 December 2019. Collection method: clinical testing. Allele origin: germline.

Diagnostic Laboratory, Department of Genetics, University Medical Center Groningen
Classification: Likely benign. Review status: no assertion criteria provided. Collection method: clinical testing. Allele origin: germline. Affected: yes. Study: VKGL Data-share Consensus. Not counted in ClinVar's aggregate classification.

Genome Diagnostics Laboratory, Amsterdam University Medical Center
Classification: Likely benign. Review status: no assertion criteria provided. Collection method: clinical testing. Allele origin: germline. Affected: yes. Study: VKGL Data-share Consensus. Not counted in ClinVar's aggregate classification.